The following is an entry in ClinVar:

ClinVar aggregate classification (germline): Pathogenic (1 of 4 stars; one submission).

Conditions:
Charcot-Marie-Tooth disease type 2. Also called: Charcot-Marie-Tooth type 2. Identifiers: Orphanet 64746, MedGen C0270914, MONDO:0018993.

Submission:

Labcorp Genetics (formerly Invitae), Labcorp
Classification: Pathogenic for Charcot-Marie-Tooth disease type 2. Last evaluated: 2021-11-12. Review status: criteria provided, single submitter. Criteria: Invitae Variant Classification Sherloc (09022015). Collection method: clinical testing. Allele origin: germline.
Comment: For these reasons, this variant has been classified as Pathogenic. This variant disrupts the p.His361 amino acid residue in MFN2. Other variant(s) that disrupt this residue have been observed in individuals with MFN2-related conditions (PMID: 16437557), which suggests that this may be a clinically significant amino acid residue. Advanced modeling of protein sequence and biophysical properties (such as structural, functional, and spatial information, amino acid conservation, physicochemical variation, residue mobility, and thermodynamic stability) performed at Invitae indicates that this missense variant is expected to disrupt MFN2 protein function. ClinVar contains an entry for this variant (Variation ID: 543232). This missense change has been observed in individual(s) with clinical features of autosomal dominant MFN2-related conditions (Invitae). In at least one individual the variant was observed to be de novo. This variant is not present in population databases (gnomAD no frequency). This sequence change replaces histidine, which is basic and polar, with proline, which is neutral and non-polar, at codon 361 of the MFN2 protein (p.His361Pro).

Literature cited by the submitters: PubMed 16437557.

NM_014874.4(MFN2):c.1082A>C (p.His361Pro)

Gene: MFN2 (mitofusin 2; plus strand). Cytogenetic location: 1p36.22.
Variant type: single nucleotide variant.
Coding change: c.1082A>C on transcript NM_014874.4 (MANE Select); coding-DNA position 1082, A replaced by C.
Protein change: p.His361Pro; replaces histidine 361 with proline.
Molecular consequence: missense variant.
Genome position (GRCh38, 1-based): chr1:12,002,025, A>C. VCF-style: chr1-12002025-A-C. GRCh37 (hg19) VCF-style: chr1-12062082-A-C.
Other names: c.1082A>C, p.His361Pro (NM_001127660.2); short protein forms H361P.
Identifiers: ClinVar variation 543232 (VCV000543232.7), dbSNP rs1064793170, ClinGen allele CA338442851.
Genomic context (GRCh38, chr1:12,002,025, plus strand): 5'-GCCTCTGTGTGTTCCAGGAGTGCATCTCCCAGTCTGCAGTGAAGACCAAGTTTGAGCAGC[A>C]CACGGTCCGGGCCAAGCAGATTGCAGAGGCGGTTCGACTCATCATGGACTCCCTGCACAT-3'
Protein context (NP_055689.1, residues 351-371): QSAVKTKFEQ[His361Pro]TVRAKQIAEA